The following is an entry in ClinVar:

ClinVar aggregate classification (germline): Uncertain significance (1 of 4 stars; one submission).

Submission:

Labcorp Genetics (formerly Invitae), Labcorp
Classification: Uncertain significance. Last evaluated: 2023-12-27. Review status: criteria provided, single submitter. Criteria: Invitae Variant Classification Sherloc (09022015). Collection method: clinical testing. Allele origin: germline.
Comment: This sequence change falls in intron 8 of the DDX58 gene. It does not directly change the encoded amino acid sequence of the DDX58 protein. It affects a nucleotide within the consensus splice site. This variant is not present in population databases (gnomAD no frequency). This variant has not been reported in the literature in individuals affected with DDX58-related conditions. Variants that disrupt the consensus splice site are a relatively common cause of aberrant splicing (PMID: 17576681, 9536098). Algorithms developed to predict the effect of sequence changes on RNA splicing suggest that this variant may disrupt the consensus splice site. In summary, the available evidence is currently insufficient to determine the role of this variant in disease. Therefore, it has been classified as a Variant of Uncertain Significance.

Literature cited by the submitters: PubMed 17576681; PubMed 9536098.

NM_014314.4(RIGI):c.1212+3A>G

Gene: RIGI (RNA sensor RIG-I; minus strand). Cytogenetic location: 9p21.1.
Variant type: single nucleotide variant.
Coding change: c.1212+3A>G on transcript NM_014314.4 (MANE Select); 3 bases into the intron after coding-DNA position 1212, A replaced by G.
Molecular consequence: intron variant.
Genome position (GRCh38, 1-based): chr9:32,487,942, T>C on the plus strand (A>G on the coding strand, the complement: RIGI is on the minus strand). VCF-style: chr9-32487942-T-C. GRCh37 (hg19) VCF-style: chr9-32487940-T-C.
Other names: c.603+3A>G (NM_001385912.1); c.1197+3A>G (NM_001385913.1); c.1206+3A>G (NM_001385907.1); c.1212+3A>G (NM_001385909.1); c.768+3A>G (NM_001385914.1); c.771+3A>G (NM_001385910.1).
Identifiers: ClinVar variation 2704003 (VCV002704003.3), dbSNP rs2489331025, ClinGen allele CA2697557685.